The following is an entry in ClinVar:

ClinVar aggregate classification (germline): Conflicting classifications of pathogenicity. Review status: criteria provided, conflicting classifications (1 of 4 stars). 3 submissions from 3 submitters: Uncertain significance (1); Likely benign (2). Last evaluated 2026-08-23.

Conditions:
PLEC-related disorder. Also called: PLEC-related disorders; PLEC-related condition.
Epidermolysis bullosa simplex 5C, with pyloric atresia (EBS5C). Also called: PLEC-Related Epidermolysis Bullosa with Pyloric Atresia; PLEC1-Related Epidermolysis Bullosa with Pyloric Atresia; Epidermolysis bullosa simplex with pyloric atresia. Identifiers: Orphanet 158684, MedGen C2677349, MONDO:0012807, OMIM 612138.
Epidermolysis bullosa simplex, Ogna type (EBS5A). Also called: Pidermolysis bullosa simplex 5A, Ogna type; EPIDERMOLYSIS BULLOSA SIMPLEX 5A, OGNA TYPE. Identifiers: Orphanet 79401, MedGen C0432317, MONDO:0007555, OMIM 131950.
Epidermolysis bullosa simplex 5B, with muscular dystrophy (EBS5B). Also called: Epidermolysis bullosa simplex with muscular dystrophy; EPIDERMOLYSIS BULLOSA SIMPLEX AND LIMB-GIRDLE MUSCULAR DYSTROPHY. Identifiers: Orphanet 257, MedGen C2931072, MONDO:0009181, OMIM 226670.
Epidermolysis bullosa simplex with nail dystrophy (EBS5D). Identifiers: MedGen C4225309, MONDO:0014661, OMIM 616487.
Autosomal recessive limb-girdle muscular dystrophy type 2Q (LGMDR17). Also called: MUSCULAR DYSTROPHY, LIMB-GIRDLE, AUTOSOMAL RECESSIVE 17. Identifiers: Orphanet 254361, MedGen C3150989, MONDO:0013390, OMIM 613723.

Allele frequency attached by ClinVar (database versions not stated): gnomAD exomes 0.00009 and 0.00014; gnomAD 0.00011; TOPMed 0.00014; ESP Exome Variant Server 0.00016; ExAC 0.00008.
gnomAD v4.1: 224 of 1,612,700 alleles (0.014%); highest among the groups gnomAD compares: Non-Finnish European, 0.017%; 1 homozygote.

Submissions (3):

PreventionGenetics, part of Exact Sciences
Classification: Likely benign for PLEC-related condition. Last evaluated: 2026-08-23. Review status: criteria provided, single submitter. Criteria: ACMG Guidelines, 2015. Collection method: clinical testing. Allele origin: germline.
Comment: This variant is classified as likely benign based on ACMG/AMP sequence variant interpretation guidelines (Richards et al. 2015 PMID: 25741868, with internal and published modifications).

Labcorp Genetics (formerly Invitae), Labcorp
Classification: Likely benign for Autosomal recessive limb-girdle muscular dystrophy type 2Q; Epidermolysis bullosa simplex, Ogna type; Epidermolysis bullosa simplex with nail dystrophy; Epidermolysis bullosa simplex 5C, with pyloric atresia; Epidermolysis bullosa simplex 5B, with muscular dystrophy. Last evaluated: 2025-11-18. Review status: criteria provided, single submitter. Criteria: Invitae Variant Classification Sherloc (09022015). Collection method: clinical testing. Allele origin: germline.

Eurofins Ntd Llc (ga)
Classification: Uncertain significance. Last evaluated: 2017-12-22. Review status: criteria provided, single submitter. Criteria: EGL Classification Definitions 2015. Collection method: clinical testing. Allele origin: germline. Observed: 2 variant alleles, 2 heterozygotes.

NM_201384.3(PLEC):c.477G>A (p.Thr159=)

Gene: PLEC (plectin; minus strand). Cytogenetic location: 8q24.3.
Variant type: single nucleotide variant.
Coding change: c.477G>A on transcript NM_201384.3 (MANE Select); coding-DNA position 477, G replaced by A.
Protein change: p.Thr159=; no amino-acid change (threonine 159 retained).
Molecular consequence: synonymous variant.
Genome position (GRCh38, 1-based): chr8:143,935,973, C>T on the plus strand (G>A on the coding strand, the complement: PLEC is on the minus strand). VCF-style: chr8-143935973-C-T. GRCh37 (hg19) VCF-style: chr8-145010141-C-T.
Other names: c.558G>A (NM_000445.4); c.558G>A, p.Thr186= (NM_000445.5); c.435G>A, p.Thr145= (NM_201378.4); c.411G>A, p.Thr137= (NM_201379.3); c.888G>A, p.Thr296= (NM_201380.4); c.381G>A, p.Thr127= (NM_201381.3); c.477G>A, p.Thr159= (NM_201382.4); c.489G>A, p.Thr163= (NM_201383.3).
Identifiers: ClinVar variation 592725 (VCV000592725.13), dbSNP rs372111720, ClinGen allele CA4928422.